The following is an entry in ClinVar:

ClinVar aggregate classification (germline): Likely pathogenic. Review status: criteria provided, multiple submitters, no conflicts (2 of 4 stars). 3 submissions from 3 submitters: Likely pathogenic (2). 1 of the submissions does not count toward it. Last evaluated 2024-10-21.

Conditions:
Ehlers-Danlos syndrome, type 4 (EDSVASC). Also called: Ehlers-Danlos syndrome vascular type; Ehlers Danlos syndrome, ecchymotic type; Ehlers Danlos syndrome, arterial type; Ehlers Danlos syndrome, Sack-Barabas type; Ehlers-Danlos Syndrome Type IV. Identifiers: Orphanet 286, MedGen C0268338, MONDO:0017314, OMIM 130050.

Submissions (3):

Labcorp Genetics (formerly Invitae), Labcorp
Classification: Likely pathogenic for Ehlers-Danlos syndrome, type 4. Last evaluated: 2024-10-21. Review status: criteria provided, single submitter. Criteria: Invitae Variant Classification Sherloc (09022015). Collection method: clinical testing. Allele origin: germline.
Comment: This sequence change replaces glycine, which is neutral and non-polar, with glutamic acid, which is acidic and polar, at codon 1146 of the COL3A1 protein (p.Gly1146Glu). This variant is not present in population databases (gnomAD no frequency). This missense change has been observed in individual(s) with vascular Ehlers-Danlos syndrome (PMID: 24922459). ClinVar contains an entry for this variant (Variation ID: 101192). Invitae Evidence Modeling of protein sequence and biophysical properties (such as structural, functional, and spatial information, amino acid conservation, physicochemical variation, residue mobility, and thermodynamic stability) indicates that this missense variant is expected to disrupt COL3A1 protein function with a positive predictive value of 95%. This variant disrupts the triple helix domain of COL3A1. Glycine residues within the Gly-Xaa-Yaa repeats of the triple helix domain are required for the structure and stability of fibrillar collagens (PMID: 7695699, 8218237, 19344236). In COL3A1, variants that affect these glycine residues are significantly enriched in individuals with disease (PMID: 24922459, 25758994) compared to the general population (ExAC). In summary, the currently available evidence indicates that the variant is pathogenic, but additional data are needed to prove that conclusively. Therefore, this variant has been classified as Likely Pathogenic.

Women's Health and Genetics/Laboratory Corporation of America, LabCorp
Classification: Likely pathogenic for Ehlers-Danlos syndrome, type 4. Last evaluated: 2016-05-23. Review status: criteria provided, single submitter. Criteria: LabCorp Variant Classification Summary - May 2015. Collection method: clinical testing. Allele origin: germline.
Comment: Variant summary: The COL3A1 c.3437G>A (p.Gly1146Glu) variant involves the alteration of a conserved nucleotide and affects a Glycine, which is predicted to be critical in COL3A1 protein. 5/5 in silico tools predict a damaging outcome for this variant. One clinical diagnostic laboratory has classified this variant as pathogenic, without evidence to independently evaluate. Taken together, this variant is classified as likely pathogenic.

Collagen Diagnostic Laboratory, University of Washington
Classification: Pathogenic for Ehlers-Danlos syndrome, type 4. Review status: no assertion criteria provided. Collection method: clinical testing. Allele origin: germline. Affected: yes. Not counted in ClinVar's aggregate classification.

Literature cited by the submitters: PubMed 24922459 (cited by Labcorp Genetics (formerly Invitae), Labcorp and Women's Health and Genetics/Laboratory Corporation of America, LabCorp); PubMed 7695699 (cited by Labcorp Genetics (formerly Invitae), Labcorp); PubMed 8218237 (cited by Labcorp Genetics (formerly Invitae), Labcorp); PubMed 19344236 (cited by Labcorp Genetics (formerly Invitae), Labcorp); PubMed 25758994 (cited by Labcorp Genetics (formerly Invitae), Labcorp).

NM_000090.4(COL3A1):c.3437G>A (p.Gly1146Glu)

Gene: COL3A1 (collagen type III alpha 1 chain; plus strand). Cytogenetic location: 2q32.2.
Variant type: single nucleotide variant.
Coding change: c.3437G>A on transcript NM_000090.4 (MANE Select); coding-DNA position 3437, G replaced by A.
Protein change: p.Gly1146Glu; replaces glycine 1146 with glutamic acid.
Molecular consequence: missense variant.
Genome position (GRCh38, 1-based): chr2:189,008,054, G>A. VCF-style: chr2-189008054-G-A. GRCh37 (hg19) VCF-style: chr2-189872780-G-A.
Identifiers: ClinVar variation 101192 (VCV000101192.11), dbSNP rs587779495, ClinGen allele CA006417.